The following is an entry in ClinVar:

ClinVar aggregate classification (germline): Likely pathogenic (1 of 4 stars; one submission).

Conditions:
Pitt-Hopkins syndrome (PTHS). Also called: MENTAL RETARDATION, SYNDROMAL, WITH INTERMITTENT HYPERVENTILATION; ENCEPHALOPATHY, SEVERE EPILEPTIC, WITH AUTONOMIC DYSFUNCTION. Identifiers: Orphanet 2896, MedGen C1970431, MONDO:0012589, OMIM 610954.

Submission:

Pittsburgh Clinical Genomics Laboratory, University of Pittsburgh Medical Center
Classification: Likely pathogenic for Pitt-Hopkins syndrome. Last evaluated: 2023-07-06. Review status: criteria provided, single submitter. Criteria: ACMG Guidelines, 2015. Collection method: clinical testing. Allele origin: germline. Inheritance: Autosomal dominant inheritance. Affected: yes.
Comment: This sequence variant is a single nucleotide deletion (delC) in exon 16 of 20 of the TCF4 gene and results in an early termition sigl 14 amino acids downstream of the frameshift introduced at codon 474. This variant is predicted to generate a non-functiol allele through either the expression of a truncated protein or a loss of TCF4-expression due to nonsense mediated decay. This variant is absent from ClinVar and the gnomAD population database (0 of approximately 250,000 alleles). To our knowledge, this variant has not been observed in an individual affected by a TCF4-related disorder in the published literature and studies examining the functiol consequence of this variant have not been published. Nonetheless haploinsufficiency in TCF4 is a known mechanism of disease (PMID: 22934316). Based upon the evidence, we consider this a likely pathogenic variant. ACMG Criteria: PM2, PVS1

Literature cited by the submitters: PubMed 22934316.

NM_001083962.2(TCF4):c.1420del (p.Val474fs)

Gene: TCF4 (transcription factor 4; minus strand). Cytogenetic location: 18q21.2.
Variant type: Deletion.
Coding change: c.1420del on transcript NM_001083962.2 (MANE Select); coding-DNA position 1420, one base deleted (G; older notation c.1420delG).
Protein change: p.Val474fs; shifts the reading frame from valine 474.
Molecular consequence: frameshift variant.
Genome position (GRCh38, 1-based): chr18:55,234,614, C deleted on the plus strand (G on the coding strand, the reverse complement: TCF4 is on the minus strand); the first of 2 consecutive C bases (chr18:55,234,614-55,234,615); deleting either gives the same sequence. VCF-style (leftmost placement, unchanged base first): chr18-55234613-AC-A. GRCh37 (hg19) VCF-style: chr18-52901844-AC-A.
Other names: c.1726del, p.Val576fs (NM_001243226.3); c.1348del, p.Val450fs (NM_001243227.2, NM_001306207.1, NM_001348217.1 and 5 more transcripts); c.1438del, p.Val480fs (NM_001243228.2); c.1411del, p.Val471fs (NM_001243230.2); c.1294del, p.Val432fs (NM_001243231.2, NM_001348211.2); c.1207del, p.Val403fs (NM_001243232.1, NM_001306208.1); c.1030del, p.Val344fs (NM_001243233.2, NM_001330605.3, NM_001348212.2 and 1 more transcripts); c.940del, p.Val314fs (NM_001243234.2, NM_001243235.2, NM_001243236.2 and 1 more transcripts); and 6 more; short protein forms V258fs, V313fs, V314fs, V344fs, V403fs, V432fs, V449fs, V450fs.
Identifiers: ClinVar variation 3376259 (VCV003376259.1).